The following is an entry in ClinVar:

ClinVar aggregate classification (germline): Uncertain significance (1 of 4 stars; one submission).

gnomAD v4.1: 6 of 1,532,210 alleles (0.00039%); highest among the groups gnomAD compares: South Asian, 0.0024%; 1 homozygote.

Submission:

Labcorp Genetics (formerly Invitae), Labcorp
Classification: Uncertain significance. Last evaluated: 2024-07-01. Review status: criteria provided, single submitter. Criteria: Invitae Variant Classification Sherloc (09022015). Collection method: clinical testing. Allele origin: germline.
Comment: This sequence change replaces methionine, which is neutral and non-polar, with lysine, which is basic and polar, at codon 154 of the ARID1B protein (p.Met154Lys). This variant is not present in population databases (gnomAD no frequency). This variant has not been reported in the literature in individuals affected with ARID1B-related conditions. Experimental studies and prediction algorithms are not available or were not evaluated, and the functional significance of this variant is currently unknown. In summary, the available evidence is currently insufficient to determine the role of this variant in disease. Therefore, it has been classified as a Variant of Uncertain Significance.

NM_001374828.1(ARID1B):c.710T>A (p.Met237Lys)

Genes: ARID1B (AT-rich interaction domain 1B; plus strand), LOC115308161 (uncharacterized LOC115308161; minus strand). Cytogenetic location: 6q25.3.
Variant type: single nucleotide variant.
Coding change: c.710T>A on transcript NM_001374828.1 (MANE Select); coding-DNA position 710, T replaced by A.
Protein change: p.Met237Lys; replaces methionine 237 with lysine.
Molecular consequence: missense variant. On other transcripts: non-coding transcript variant (1).
Genome position (GRCh38, 1-based): chr6:156,778,390, T>A. VCF-style: chr6-156778390-T-A. GRCh37 (hg19) VCF-style: chr6-157099524-T-A.
Other names: c.461T>A, p.Met154Lys (NM_020732.3, NM_001346813.1); c.287T>A, p.Met96Lys (NM_175863.2); c.710T>A, p.Met237Lys (NM_001371656.1, NM_001374820.1, NM_017519.3); short protein forms M154K, M237K, M96K.
Identifiers: ClinVar variation 2711165 (VCV002711165.3), dbSNP rs1778841230, ClinGen allele CA366381934.